The following is an entry in ClinVar:

ClinVar aggregate classification (germline): Uncertain significance. Review status: criteria provided, multiple submitters, no conflicts (2 of 4 stars). 4 submissions from 4 submitters: Uncertain significance (4). Last evaluated 2025-10-27.

Conditions:
Inborn genetic diseases. Identifiers: MedGen C0950123, MeSH D030342.
Autosomal dominant nonsyndromic hearing loss 11. Identifiers: Orphanet 90635, MedGen C1832475, MONDO:0011032, OMIM 601317.

Allele frequency attached by ClinVar (database versions not stated): gnomAD exomes 0.00001; TOPMed 0.00002; gnomAD 0.00003.
gnomAD v4.1: 11 of 1,612,016 alleles (0.00068%); highest among the groups gnomAD compares: African/African-American, 0.0013%; no homozygotes.

Submissions (4):

Labcorp Genetics (formerly Invitae), Labcorp
Classification: Uncertain significance. Last evaluated: 2025-10-27. Review status: criteria provided, single submitter. Criteria: Invitae Variant Classification Sherloc (09022015). Collection method: clinical testing. Allele origin: germline.
Comment: This sequence change replaces arginine, which is basic and polar, with histidine, which is basic and polar, at codon 895 of the MYO7A protein (p.Arg895His). This variant is not present in population databases (gnomAD no frequency). This variant has not been reported in the literature in individuals affected with MYO7A-related conditions. ClinVar contains an entry for this variant (Variation ID: 976380). Invitae Evidence Modeling of protein sequence and biophysical properties (such as structural, functional, and spatial information, amino acid conservation, physicochemical variation, residue mobility, and thermodynamic stability) indicates that this missense variant is not expected to disrupt MYO7A protein function with a negative predictive value of 95%. In summary, the available evidence is currently insufficient to determine the role of this variant in disease. Therefore, it has been classified as a Variant of Uncertain Significance.

Ambry Genetics
Classification: Uncertain significance for Inborn genetic diseases. Last evaluated: 2025-08-22. Review status: criteria provided, single submitter. Criteria: Ambry Variant Classification Scheme 2023. Collection method: clinical testing. Allele origin: germline.

Blueprint Genetics
Classification: Uncertain significance. Last evaluated: 2021-09-06. Review status: criteria provided, single submitter. Criteria: ACMG Guidelines, 2015. Collection method: clinical testing. Allele origin: germline.

Institute of Human Genetics, University of Leipzig Medical Center
Classification: Uncertain significance for Autosomal dominant nonsyndromic hearing loss 11. Last evaluated: 2018-02-19. Review status: criteria provided, single submitter. Criteria: ACMG Guidelines, 2015. Collection method: clinical testing. Allele origin: germline. Affected: yes. Observed: 1 variant allele.

NM_000260.4(MYO7A):c.2684G>A (p.Arg895His)

Gene: MYO7A (myosin VIIA; plus strand). Cytogenetic location: 11q13.5.
Variant type: single nucleotide variant.
Coding change: c.2684G>A on transcript NM_000260.4 (MANE Select); coding-DNA position 2684, G replaced by A.
Protein change: p.Arg895His; replaces arginine 895 with histidine.
Molecular consequence: missense variant.
Genome position (GRCh38, 1-based): chr11:77,180,471, G>A. VCF-style: chr11-77180471-G-A. GRCh37 (hg19) VCF-style: chr11-76891517-G-A.
Other names: c.2684G>A, p.Arg895His (NM_001127180.2); c.2651G>A, p.Arg884His (NM_001369365.1); short protein forms R884H, R895H.
Identifiers: ClinVar variation 976380 (VCV000976380.7), dbSNP rs1007895502, ClinGen allele CA224841206.